The following is an entry in ClinVar:

NM_206933.4(USH2A):c.14839G>A (p.Val4947Met)

Gene: USH2A (usherin; minus strand). Cytogenetic location: 1q41.
Variant type: single nucleotide variant.
Coding change: c.14839G>A on transcript NM_206933.4 (MANE Select); coding-DNA position 14839, G replaced by A.
Protein change: p.Val4947Met; replaces valine 4947 with methionine.
Molecular consequence: missense variant.
Genome position (GRCh38, 1-based): chr1:215,640,687, C>T on the plus strand (G>A on the coding strand, the complement: USH2A is on the minus strand). VCF-style: chr1-215640687-C-T. GRCh37 (hg19) VCF-style: chr1-215814029-C-T.
Other names: short protein forms V4947M.
Identifiers: ClinVar variation 4086532 (VCV004086532.2).

ClinVar aggregate classification (germline): Uncertain significance. Review status: criteria provided, multiple submitters, no conflicts (2 of 4 stars). 2 submissions from 2 submitters: Uncertain significance (2). Last evaluated 2025-03-18.

gnomAD v4.1: 1 of 1,613,830 alleles (0.000062%); highest among the groups gnomAD compares: Non-Finnish European, 0.000085%; no homozygotes.

Submissions (2):

GeneDx
Classification: Uncertain significance. Last evaluated: 2025-03-18. Review status: criteria provided, single submitter. Criteria: GeneDx Variant Classification Process June 2021. Collection method: clinical testing. Allele origin: germline. Affected: yes.
Comment: Not observed at significant frequency in large population cohorts (gnomAD); In silico analysis indicates that this missense variant does not alter protein structure/function; Has not been previously published as pathogenic or benign to our knowledge

Blueprint Genetics
Classification: Uncertain significance. Last evaluated: 2021-10-15. Review status: criteria provided, single submitter. Criteria: ACMG Guidelines, 2015. Collection method: clinical testing. Allele origin: germline.